The following is an entry in ClinVar:

ClinVar aggregate classification (germline): Pathogenic (1 of 4 stars; one submission).

Conditions:
Exostoses, multiple, type 1 (EXT1). Also called: Hereditary Multiple Osteochondromatosis, Type I; EXOSTOSES, MULTIPLE, TYPE I. Identifiers: MedGen CN263289, MONDO:0007585, OMIM 133700.

Submission:

Breda Genetics srl
Classification: Pathogenic for Exostoses, multiple, type 1. Last evaluated: 2019-07-18. Review status: criteria provided, single submitter. Criteria: ACMG Guidelines, 2015. Collection method: clinical testing. Allele origin: unknown. Inheritance: Autosomal dominant inheritance. Affected: yes. Observed: 1 variant allele, 1 heterozygote.
Comment: The variant creates a premature stop codon at amino acid position Trp55, which is likely to result in a truncated protein or protein loss due to nonsense-mediated messenger decay (NMD). This variant has not been reported in dbSNP, gnomAD, 1000 Genomes, NHLI Exome Sequencing Project (ESP) or ClinVar. Most pathogenic mutations reported so far in the EXT1 gene lead to a premature termination of the protein (frame shift, nonsense).

NM_000127.3(EXT1):c.165G>A (p.Trp55Ter)

Gene: EXT1 (exostosin glycosyltransferase 1; minus strand). Cytogenetic location: 8q24.11.
Variant type: single nucleotide variant.
Coding change: c.165G>A on transcript NM_000127.3 (MANE Select); coding-DNA position 165, G replaced by A.
Protein change: p.Trp55Ter; replaces tryptophan 55 with a stop codon.
Molecular consequence: nonsense.
Genome position (GRCh38, 1-based): chr8:118,110,882, C>T on the plus strand (G>A on the coding strand, the complement: EXT1 is on the minus strand). VCF-style: chr8-118110882-C-T. GRCh37 (hg19) VCF-style: chr8-119123121-C-T.
Other names: short protein forms W55*.
Identifiers: ClinVar variation 638562 (VCV000638562.3), dbSNP rs1586280132, ClinGen allele CA371916457.